The following is an entry in ClinVar:

NM_015215.4(CAMTA1):c.884G>A (p.Gly295Glu)

Gene: CAMTA1 (calmodulin binding transcription activator 1; plus strand). Cytogenetic location: 1p36.23.
Variant type: single nucleotide variant.
Coding change: c.884G>A on transcript NM_015215.4 (MANE Select); coding-DNA position 884, G replaced by A.
Protein change: p.Gly295Glu; replaces glycine 295 with glutamic acid.
Molecular consequence: missense variant.
Genome position (GRCh38, 1-based): chr1:7,663,431, G>A. VCF-style: chr1-7663431-G-A. GRCh37 (hg19) VCF-style: chr1-7723491-G-A.
Other names: c.794G>A, p.Gly265Glu (NM_001349608.2, NM_001349612.2); c.884G>A, p.Gly295Glu (NM_001349609.2, NM_001349610.2); short protein forms G265E, G295E.
Identifiers: ClinVar variation 1702744 (VCV001702744.2), dbSNP rs755484820, ClinGen allele CA17243868.

ClinVar aggregate classification (germline): Uncertain significance (1 of 4 stars; one submission).

Allele frequency attached by ClinVar (database versions not stated): TOPMed below 0.00001.

Submission:

GeneDx
Classification: Uncertain significance. Last evaluated: 2022-02-18. Review status: criteria provided, single submitter. Criteria: GeneDx Variant Classification Process June 2021. Collection method: clinical testing. Allele origin: germline. Affected: yes.
Comment: Not observed at significant frequency in large population cohorts (gnomAD); In silico analysis supports that this missense variant does not alter protein structure/function; Has not been previously published as pathogenic or benign to our knowledge